The following is an entry in ClinVar:

ClinVar aggregate classification (germline): Uncertain significance (1 of 4 stars; one submission).

Conditions:
Baller-Gerold syndrome (BGS). Also called: CRANIOSYNOSTOSIS WITH RADIAL DEFECTS. Identifiers: Orphanet 1225, MedGen C0265308, MONDO:0009039, OMIM 218600.

Submission:

Labcorp Genetics (formerly Invitae), Labcorp
Classification: Uncertain significance for Baller-Gerold syndrome. Last evaluated: 2022-09-15. Review status: criteria provided, single submitter. Criteria: Invitae Variant Classification Sherloc (09022015). Collection method: clinical testing. Allele origin: germline.
Comment: In summary, the available evidence is currently insufficient to determine the role of this variant in disease. Therefore, it has been classified as a Variant of Uncertain Significance. Experimental studies and prediction algorithms are not available or were not evaluated, and the functional significance of this variant is currently unknown. This variant has not been reported in the literature in individuals affected with RECQL4-related conditions. This variant is not present in population databases (gnomAD no frequency). This sequence change replaces serine, which is neutral and polar, with threonine, which is neutral and polar, at codon 650 of the RECQL4 protein (p.Ser650Thr).

NM_004260.4(RECQL4):c.1949G>C (p.Ser650Thr)

Gene: RECQL4 (RecQ like helicase 4; minus strand). Cytogenetic location: 8q24.3.
Variant type: single nucleotide variant.
Coding change: c.1949G>C on transcript NM_004260.4 (MANE Select); coding-DNA position 1949, G replaced by C.
Protein change: p.Ser650Thr; replaces serine 650 with threonine.
Molecular consequence: missense variant.
Genome position (GRCh38, 1-based): chr8:144,514,037, C>G on the plus strand (G>C on the coding strand, the complement: RECQL4 is on the minus strand). VCF-style: chr8-144514037-C-G. GRCh37 (hg19) VCF-style: chr8-145739421-C-G.
Other names: c.1853G>C, p.Ser618Thr (NM_001413017.1, NM_001413020.1); c.1949G>C, p.Ser650Thr (NM_001413018.1, NM_001413019.1, NM_001413036.1); c.812G>C, p.Ser271Thr (NM_001413032.1, NM_001413041.1, NM_001413027.1 and 1 more transcripts); c.1817G>C, p.Ser606Thr (NM_001413033.1); c.878G>C, p.Ser293Thr (NM_001413034.1, NM_001413035.1, NM_001413038.1 and 6 more transcripts); c.746G>C, p.Ser249Thr (NM_001413037.1); c.1919G>C, p.Ser640Thr (NM_001413039.1); c.848G>C, p.Ser283Thr (NM_001413042.1); and 4 more; short protein forms S293T, S533T, S606T, S640T, S227T, S607T, S161T, S271T.
Identifiers: ClinVar variation 1940009 (VCV001940009.5), dbSNP rs747496472, ClinGen allele CA372680435.